The following is an entry in ClinVar:

NM_014324.6(AMACR):c.1001C>T (p.Thr334Ile)

Genes: AMACR (alpha-methylacyl-CoA racemase; minus strand), C1QTNF3-AMACR (C1QTNF3-AMACR readthrough (NMD candidate); minus strand). Cytogenetic location: 5p13.2.
Variant type: single nucleotide variant.
Coding change: c.1001C>T on transcript NM_014324.6 (MANE Select); coding-DNA position 1001, C replaced by T.
Protein change: p.Thr334Ile; replaces threonine 334 with isoleucine.
Molecular consequence: missense variant. On other transcripts: non-coding transcript variant (1), 3 prime UTR variant (1).
Genome position (GRCh38, 1-based): chr5:33,989,241, G>A on the plus strand (C>T on the coding strand, the complement: AMACR is on the minus strand). VCF-style: chr5-33989241-G-A. GRCh37 (hg19) VCF-style: chr5-33989346-G-A.
Other names: p.Thr334Ile; c.1001C>T, p.Thr334Ile (NM_001167595.2); c.*243C>T (NM_203382.3); short protein forms T334I.
Identifiers: ClinVar variation 905565 (VCV000905565.26), dbSNP rs368693738, ClinGen allele CA3225974.

ClinVar aggregate classification (germline): Uncertain significance. Review status: criteria provided, multiple submitters, no conflicts (2 of 4 stars). 4 submissions from 4 submitters: Uncertain significance (4). Last evaluated 2024-11-01.

Conditions:
Alpha-methylacyl-CoA racemase deficiency (AMACRD). Also called: AMACR deficiency. Identifiers: Orphanet 79095, MedGen C3280428, MONDO:0013681, OMIM 614307. Disease mechanism: loss of function.

Allele frequency attached by ClinVar (database versions not stated): ExAC 0.00002; gnomAD exomes 0.00002; gnomAD 0.00003; TOPMed 0.00003; ESP Exome Variant Server 0.00015.
gnomAD v4.1: 14 of 1,614,016 alleles (0.00087%); highest among the groups gnomAD compares: African/African-American, 0.004%; no homozygotes.

Submissions (4):

CeGaT Center for Human Genetics Tuebingen
Classification: Uncertain significance. Last evaluated: 2024-11-01. Review status: criteria provided, single submitter. Criteria: CeGaT Center For Human Genetics Tuebingen Variant Classification Criteria Version 2. Collection method: clinical testing. Allele origin: germline. Affected: yes. Observed: 1 variant allele.
Comment: AMACR: PM2

Labcorp Genetics (formerly Invitae), Labcorp
Classification: Uncertain significance for Alpha-methylacyl-CoA racemase deficiency. Last evaluated: 2022-06-23. Review status: criteria provided, single submitter. Criteria: Invitae Variant Classification Sherloc (09022015). Collection method: clinical testing. Allele origin: germline.
Comment: This sequence change replaces threonine, which is neutral and polar, with isoleucine, which is neutral and non-polar, at codon 334 of the AMACR protein (p.Thr334Ile). This variant is present in population databases (rs368693738, gnomAD 0.004%). This variant has not been reported in the literature in individuals affected with AMACR-related conditions. ClinVar contains an entry for this variant (Variation ID: 905565). Algorithms developed to predict the effect of missense changes on protein structure and function (SIFT, PolyPhen-2, Align-GVGD) all suggest that this variant is likely to be disruptive. In summary, the available evidence is currently insufficient to determine the role of this variant in disease. Therefore, it has been classified as a Variant of Uncertain Significance.

Mayo Clinic Laboratories, Mayo Clinic
Classification: Uncertain significance. Last evaluated: 2021-07-14. Review status: criteria provided, single submitter. Criteria: ACMG Guidelines, 2015. Collection method: clinical testing. Allele origin: germline.

Illumina Laboratory Services, Illumina
Classification: Uncertain significance for Alpha-methylacyl-CoA racemase deficiency. Last evaluated: 2018-01-12. Review status: criteria provided, single submitter. Criteria: ICSL Variant Classification Criteria 13 December 2019. Collection method: clinical testing. Allele origin: germline.